The following is an entry in ClinVar:

ClinVar aggregate classification (germline): Pathogenic/Likely pathogenic. Review status: criteria provided, multiple submitters, no conflicts (2 of 4 stars). 5 submissions from 5 submitters: Pathogenic (1); Likely pathogenic (3). 1 of the submissions does not count toward it. Last evaluated 2024-05-31.

Conditions:
GBA2-related disorders.
Hereditary spastic paraplegia 46. Also called: Spastic paraplegia 46, autosomal recessive. Identifiers: Orphanet 320391, MedGen C2828721, MONDO:0013737, OMIM 614409.
Hereditary spastic paraplegia. Also called: Familial spastic paraparesis. Identifiers: Orphanet 685, MedGen C0037773, MONDO:0019064. Disease mechanism: loss of function.

Allele frequency attached by ClinVar (database versions not stated): gnomAD exomes 0.00001 and 0.00002; ExAC 0.00002; TOPMed 0.00002; gnomAD 0.00003.
gnomAD v4.1: 22 of 1,613,908 alleles (0.0014%); highest among the groups gnomAD compares: Admixed American, 0.0067%; no homozygotes.

Submissions (5):

Blueprint Genetics
Classification: Likely pathogenic for GBA2-related disorders. Last evaluated: 2024-05-31. Review status: criteria provided, single submitter. Criteria: ACMG Guidelines, 2015. Collection method: clinical testing. Allele origin: germline. Affected: yes. Observed: 1 variant allele.

Genetic Services Laboratory, University of Chicago
Classification: Likely pathogenic. Last evaluated: 2024-04-18. Review status: criteria provided, single submitter. Criteria: ACMG Guidelines, 2015. Collection method: clinical testing. Allele origin: germline. Affected: yes.
Comment: DNA sequence analysis of the GBA2 gene demonstrated a sequence change, c.1888C>T, in exon 12 that results in an amino acid change, p.Arg630Trp. The p.Arg630Trp change affects a highly conserved amino acid residue located in a domain of the GBA2 protein that is known to be functional. The p.Arg630Trp substitution appears to be deleterious using several in-silico pathogenicity prediction tools (SIFT, PolyPhen2, Align GVGD, REVEL). This amino acid change has been previously described in the literature in individuals with hereditary spastic paraplegia (PMID: 23332916). Functional studies indicate this sequence change impacts GBA2 function (PMID: 23332916, 26220345). This sequence change has been described in the gnomAD database with a frequency of 0.001% in the overall population (dbSNP rs398123012). Collectively, this evidence indicates that this sequence change is likely pathogenic, however functional studies have not been performed to prove this conclusively.

SIB Swiss Institute of Bioinformatics
Classification: Likely pathogenic for Hereditary spastic paraplegia 46. Last evaluated: 2019-01-25. Review status: criteria provided, single submitter. Criteria: ACMG Guidelines, 2015. Collection method: curation. Allele origin: unknown.
Comment: This variant is interpreted as a Likely pathogenic for Spastic paraplegia 46, autosomal recessive. The following ACMG Tag(s) were applied: PM2 : Absent from controls (or at extremely low frequency if recessive) in Exome Sequencing Project, 1000 Genomes Project, or Exome Aggregation Consortium. PS3 : Well-established functional studies show a deleterious effect (PMID:23332916; 26220345). PP1-Moderate : PP1 upgraded in strength to Moderate (PMID:23332916). PP3 : Multiple lines of computational evidence support a deleterious effect on the gene or gene product.

Unit for Genetic & Epidemiological Research on Neurological Disorders, Instituto de Investigação e Inovação em Saúde
Classification: Pathogenic for Hereditary spastic paraplegia. Last evaluated: 2017-03-07. Review status: criteria provided, single submitter. Criteria: Morais et al. (Eur J Hum Genet. 2017). Collection method: research. Allele origin: inherited. Affected: yes.

OMIM
Classification: Pathogenic for SPASTIC PARAPLEGIA 46, AUTOSOMAL RECESSIVE. Last evaluated: 2013-02-07. Review status: no assertion criteria provided. Collection method: literature only. Allele origin: germline. Not counted in ClinVar's aggregate classification.

Literature cited by the submitters: PubMed 23332916 (cited by SIB Swiss Institute of Bioinformatics and OMIM); PubMed 26220345 (cited by SIB Swiss Institute of Bioinformatics); PubMed 20593214 (cited by OMIM).

NM_020944.3(GBA2):c.1888C>T (p.Arg630Trp)

Gene: GBA2 (glucosylceramidase beta 2; minus strand). Cytogenetic location: 9p13.3.
Variant type: single nucleotide variant.
Coding change: c.1888C>T on transcript NM_020944.3 (MANE Select); coding-DNA position 1888, C replaced by T.
Protein change: p.Arg630Trp; replaces arginine 630 with tryptophan.
Molecular consequence: missense variant.
Genome position (GRCh38, 1-based): chr9:35,738,811, G>A on the plus strand (C>T on the coding strand, the complement: GBA2 is on the minus strand). VCF-style: chr9-35738811-G-A. GRCh37 (hg19) VCF-style: chr9-35738808-G-A.
Other names: c.1888C>T, p.Arg630Trp (NM_001330660.2); short protein forms R630W.
Identifiers: ClinVar variation 41485 (VCV000041485.6), dbSNP rs398123012, ClinGen allele CA130873.
Genomic context (GRCh38, chr9:35,738,811, plus strand): 5'-CTAGACACACAGGCCACATGTCCTTCAGGAAGTTTTGATCACCCGTGAGGTAATAGTCCC[G>A]ATAAACCTGCAGCACAAACTTCAGGTTCAGGTCCTTCCAATCAGCAGTATCATGGATTAA-3'
Protein context (NP_065995.1, residues 620-640): LNLKFVLQVY[Arg630Trp]DYYLTGDQNF